The following is an entry in ClinVar:

NM_152594.3(SPRED1):c.976A>T (p.Arg326Ter)

Gene: SPRED1 (sprouty related EVH1 domain containing 1; plus strand). Cytogenetic location: 15q14.
Variant type: single nucleotide variant.
Coding change: c.976A>T on transcript NM_152594.3 (MANE Select); coding-DNA position 976, A replaced by T.
Protein change: p.Arg326Ter; replaces arginine 326 with a stop codon.
Molecular consequence: nonsense.
Genome position (GRCh38, 1-based): chr15:38,351,305, A>T. VCF-style: chr15-38351305-A-T. GRCh37 (hg19) VCF-style: chr15-38643506-A-T.
Other names: short protein forms R326*.
Identifiers: ClinVar variation 3638275 (VCV003638275.2).
Genomic context (GRCh38, chr15:38,351,305, plus strand): 5'-AAAGACTCTGTGGTATTTAAGACGCAGCCTTCCTCATTAAAAATTAAGAAGTCAAAACGA[A>T]GAAAAGAGGATGGTGAACGTTCTCGCTGCGTATACTGCCAGGAAAGGTTTAATCATGAAG-3'

ClinVar aggregate classification (germline): Pathogenic (1 of 4 stars; one submission).

Conditions:
Legius syndrome. Identifiers: Orphanet 137605, MedGen C1969623, MONDO:0012669, OMIM 611431. Disease mechanism: loss of function.

Submission:

Labcorp Genetics (formerly Invitae), Labcorp
Classification: Pathogenic for Legius syndrome. Last evaluated: 2024-02-03. Review status: criteria provided, single submitter. Criteria: Invitae Variant Classification Sherloc (09022015). Collection method: clinical testing. Allele origin: germline.
Comment: This sequence change creates a premature translational stop signal (p.Arg326*) in the SPRED1 gene. While this is not anticipated to result in nonsense mediated decay, it is expected to disrupt the last 119 amino acid(s) of the SPRED1 protein. This variant is not present in population databases (gnomAD no frequency). This variant has not been reported in the literature in individuals affected with SPRED1-related conditions. This variant disrupts a region of the SPRED1 protein in which other variant(s) (p.Cys418Alafs*6) have been determined to be pathogenic (PMID: 19920235). This suggests that this is a clinically significant region of the protein, and that variants that disrupt it are likely to be disease-causing. For these reasons, this variant has been classified as Pathogenic.

Literature cited by the submitters: PubMed 19920235.